The following is an entry in ClinVar:

ClinVar aggregate classification (germline): Likely benign (0 of 4 stars; one submission).

Conditions:
COL8A1-related disorder. Also called: COL8A1-related condition.

Allele frequency attached by ClinVar (database versions not stated): 1000 Genomes Project 30x 0.00031; ESP Exome Variant Server 0.00031; TOPMed 0.00033; gnomAD exomes 0.00061; gnomAD 0.00074; ExAC 0.00100.
gnomAD v4.1: 994 of 1,614,122 alleles (0.062%); highest among the groups gnomAD compares: Non-Finnish European, 0.048%; 1 homozygote.

Submission:

PreventionGenetics, part of Exact Sciences
Classification: Likely benign for COL8A1-related condition. Last evaluated: 2019-07-02. Review status: no assertion criteria provided. Collection method: clinical testing. Allele origin: germline.
Comment: This variant is classified as likely benign based on ACMG/AMP sequence variant interpretation guidelines (Richards et al. 2015 PMID: 25741868, with internal and published modifications).

NM_020351.4(COL8A1):c.2044A>G (p.Asn682Asp)

Gene: COL8A1 (collagen type VIII alpha 1 chain; plus strand). Cytogenetic location: 3q12.1.
Variant type: single nucleotide variant.
Coding change: c.2044A>G on transcript NM_020351.4 (MANE Select); coding-DNA position 2044, A replaced by G.
Protein change: p.Asn682Asp; replaces asparagine 682 with aspartic acid.
Molecular consequence: missense variant.
Genome position (GRCh38, 1-based): chr3:99,795,945, A>G. VCF-style: chr3-99795945-A-G. GRCh37 (hg19) VCF-style: chr3-99514789-A-G.
Other names: c.2044A>G, p.Asn682Asp (NM_001850.5); short protein forms N682D.
Identifiers: ClinVar variation 3042898 (VCV003042898.2), dbSNP rs143399698, ClinGen allele CA2513125.